The following is an entry in ClinVar:

NM_000310.4(PPT1):c.401T>G (p.Ile134Ser)

Gene: PPT1 (palmitoyl-protein thioesterase 1; minus strand). Cytogenetic location: 1p34.2.
Variant type: single nucleotide variant.
Coding change: c.401T>G on transcript NM_000310.4 (MANE Select); coding-DNA position 401, T replaced by G.
Protein change: p.Ile134Ser; replaces isoleucine 134 with serine.
Molecular consequence: missense variant. On other transcripts: intron variant (1).
Genome position (GRCh38, 1-based): chr1:40,091,361, A>C on the plus strand (T>G on the coding strand, the complement: PPT1 is on the minus strand). VCF-style: chr1-40091361-A-C. GRCh37 (hg19) VCF-style: chr1-40557033-A-C.
Other names: c.401T>G, p.Ile134Ser (NM_001363695.2); c.125-1849T>G (NM_001142604.2); short protein forms I134S.
Identifiers: ClinVar variation 2082296 (VCV002082296.4), dbSNP rs1800205, ClinGen allele CA339848862.

ClinVar aggregate classification (germline): Uncertain significance (1 of 4 stars; one submission).

Conditions:
Neuronal ceroid lipofuscinosis 1 (CLN1). Also called: PPT1-Related Neuronal Ceroid-Lipofuscinosis; CEROID LIPOFUSCINOSIS, NEURONAL, 1, VARIABLE AGE AT ONSET. Identifiers: Orphanet 228329, MedGen C1850451, MONDO:0009744, OMIM 256730.

gnomAD v4.1: 3 of 1,613,982 alleles (0.00019%); highest among the groups gnomAD compares: Non-Finnish European, 0.00025%; no homozygotes.

Submission:

Labcorp Genetics (formerly Invitae), Labcorp
Classification: Uncertain significance for Neuronal ceroid lipofuscinosis 1. Last evaluated: 2022-01-13. Review status: criteria provided, single submitter. Criteria: Invitae Variant Classification Sherloc (09022015). Collection method: clinical testing. Allele origin: germline.
Comment: This sequence change replaces isoleucine, which is neutral and non-polar, with serine, which is neutral and polar, at codon 134 of the PPT1 protein (p.Ile134Ser). This variant is not present in population databases (gnomAD no frequency). This variant has not been reported in the literature in individuals affected with PPT1-related conditions. Advanced modeling of protein sequence and biophysical properties (such as structural, functional, and spatial information, amino acid conservation, physicochemical variation, residue mobility, and thermodynamic stability) performed at Invitae indicates that this missense variant is not expected to disrupt PPT1 protein function. In summary, the available evidence is currently insufficient to determine the role of this variant in disease. Therefore, it has been classified as a Variant of Uncertain Significance.